The following is an entry in ClinVar:

NM_000722.4(CACNA2D1):c.3065C>A (p.Ala1022Glu)

Gene: CACNA2D1 (calcium voltage-gated channel auxiliary subunit alpha2delta 1; minus strand). Cytogenetic location: 7q21.11.
Variant type: single nucleotide variant.
Coding change: c.3065C>A on transcript NM_000722.4 (MANE Select); coding-DNA position 3065, C replaced by A.
Protein change: p.Ala1022Glu; replaces alanine 1022 with glutamic acid.
Molecular consequence: missense variant.
Genome position (GRCh38, 1-based): chr7:81,959,731, G>T on the plus strand (C>A on the coding strand, the complement: CACNA2D1 is on the minus strand). VCF-style: chr7-81959731-G-T. GRCh37 (hg19) VCF-style: chr7-81589047-G-T.
Other names: c.3101C>A, p.Ala1034Glu (NM_001366867.1); short protein forms A1022E, A1034E.
Identifiers: ClinVar variation 3232269 (VCV003232269.3), dbSNP rs747500641, ClinGen allele CA4317408.

ClinVar aggregate classification (germline): Uncertain significance. Review status: criteria provided, multiple submitters, no conflicts (2 of 4 stars). 2 submissions from 2 submitters: Uncertain significance (2). Last evaluated 2026-01-15.

Conditions:
Brugada syndrome. Also called: Sudden unexpected nocturnal death syndrome; Sudden unexplained nocturnal death syndrome; Sudden Unexplained Death Syndrome; Sudden Unexplained Nocturnal Death Syndrome (SUNDS). Identifiers: Orphanet 130, MedGen C1142166, MONDO:0015263.
Cardiovascular phenotype. Identifiers: MedGen CN230736.

gnomAD v4.1: 7 of 1,611,984 alleles (0.00043%); highest among the groups gnomAD compares: Admixed American, 0.0017%; no homozygotes.

Submissions (2):

Labcorp Genetics (formerly Invitae), Labcorp
Classification: Uncertain significance for Brugada syndrome. Last evaluated: 2026-01-15. Review status: criteria provided, single submitter. Criteria: Invitae Variant Classification Sherloc (09022015). Collection method: clinical testing. Allele origin: germline.
Comment: This sequence change replaces alanine, which is neutral and non-polar, with glutamic acid, which is acidic and polar, at codon 1022 of the CACNA2D1 protein (p.Ala1022Glu). The frequency data for this variant in the population databases is considered unreliable, as metrics indicate poor data quality at this position in the gnomAD database. This variant has not been reported in the literature in individuals affected with CACNA2D1-related conditions. ClinVar contains an entry for this variant (Variation ID: 3232269). An algorithm developed to predict the effect of missense changes on protein structure and function (PolyPhen-2) suggests that this variant is likely to be tolerated. In summary, the available evidence is currently insufficient to determine the role of this variant in disease. Therefore, it has been classified as a Variant of Uncertain Significance.

Ambry Genetics
Classification: Uncertain significance for Cardiovascular phenotype. Last evaluated: 2024-02-22. Review status: criteria provided, single submitter. Criteria: Ambry Variant Classification Scheme 2023. Collection method: clinical testing. Allele origin: germline.
Comment: The p.A1022E variant (also known as c.3065C>A), located in coding exon 37 of the CACNA2D1 gene, results from a C to A substitution at nucleotide position 3065. The alanine at codon 1022 is replaced by glutamic acid, an amino acid with dissimilar properties. This amino acid position is conserved. In addition, the in silico prediction for this alteration is inconclusive. Based on the available evidence, the clinical significance of this alteration remains unclear.